The following is an entry in ClinVar:

NM_014049.5(ACAD9):c.*31G>A

Genes: ACAD9 (acyl-CoA dehydrogenase family member 9; plus strand), CFAP92 (cilia and flagella associated protein 92 (putative); minus strand). Cytogenetic location: 3q21.3.
Variant type: single nucleotide variant.
Coding change: c.*31G>A on transcript NM_014049.5 (MANE Select); 31 bases downstream of the stop codon, G replaced by A.
Molecular consequence: 3 prime UTR variant. On other transcripts: non-coding transcript variant (1), intron variant (3).
Genome position (GRCh38, 1-based): chr3:128,912,638, G>A. VCF-style: chr3-128912638-G-A. GRCh37 (hg19) VCF-style: chr3-128631481-G-A.
Other names: c.*31G>A (NM_001410805.1); c.2312-2305C>T (NM_001348521.2); c.2408-2305C>T (NM_001348520.2); c.3281-2305C>T (NM_001394090.1).
Identifiers: ClinVar variation 343209 (VCV000343209.8), dbSNP rs9830739, ClinGen allele CA2601750.

ClinVar aggregate classification (germline): Benign. Review status: criteria provided, multiple submitters, no conflicts (2 of 4 stars). 3 submissions from 3 submitters: Benign (3). Last evaluated 2018-06-16.

Conditions:
Acyl-CoA dehydrogenase 9 deficiency. Also called: Acyl-CoA dehydrogenase family, member 9, deficiency of; MITOCHONDRIAL COMPLEX I DEFICIENCY, NUCLEAR TYPE 20. Identifiers: Orphanet 99901, MedGen C4747517, MONDO:0012624, OMIM 611126.

Allele frequency attached by ClinVar (database versions not stated): gnomAD exomes 0.01866 and 0.03316; ExAC 0.03746; gnomAD 0.08694 and 0.09177; TOPMed 0.09862; ESP Exome Variant Server 0.10026; 1000 Genomes Project 0.10064; 1000 Genomes Project 30x 0.10509.
gnomAD v4.1: 40,491 of 1,572,694 alleles (2.6%); highest among the groups gnomAD compares: African/African-American, 27%; 3,126 homozygotes.

Submissions (3):

GeneDx
Classification: Benign. Last evaluated: 2018-06-16. Review status: criteria provided, single submitter. Criteria: GeneDx Variant Classification Process June 2021. Collection method: clinical testing. Allele origin: germline. Affected: yes.

Illumina Laboratory Services, Illumina
Classification: Benign for Acyl-CoA dehydrogenase 9 deficiency. Last evaluated: 2018-01-13. Review status: criteria provided, single submitter. Criteria: ICSL Variant Classification Criteria 13 December 2019. Collection method: clinical testing. Allele origin: germline.
Comment: This variant was observed in the ICSL laboratory as part of a predisposition screen in an ostensibly healthy population. It had not been previously curated by ICSL or reported in the Human Gene Mutation Database (HGMD: prior to June 1st, 2018), and was therefore a candidate for classification through an automated scoring system. Utilizing variant allele frequency, disease prevalence and penetrance estimates, and inheritance mode, an automated score was calculated to assess if this variant is too frequent to cause the disease. Based on the score and internal cut-off values, a variant classified as benign is not then subjected to further curation. The score for this variant resulted in a classification of benign for this disease.

Breakthrough Genomics
Classification: Benign. Review status: criteria provided, single submitter. Criteria: ACMG Guidelines, 2015. Collection method: not provided. Allele origin: germline. Inheritance: Autosomal recessive inheritance. Affected: yes.